The following is an entry in ClinVar:

ClinVar aggregate classification (germline): Pathogenic/Likely pathogenic. Review status: criteria provided, multiple submitters, no conflicts (2 of 4 stars). 5 submissions from 5 submitters: Pathogenic (1); Likely pathogenic (3). 1 of the submissions does not count toward it. Last evaluated 2025-05-13.

Conditions:
ABCC6-related disorder. Also called: ABCC6-related condition.
Autosomal recessive inherited pseudoxanthoma elasticum (PXE). Identifiers: Orphanet 758, MedGen CN032334, MONDO:0009925, OMIM 264800.
Pseudoxanthoma elasticum, forme fruste. Also called: Pseudoxanthoma Elasticum, Incomplete; PSEUDOXANTHOMA ELASTICUM, HETEROZYGOUS. Identifiers: Orphanet 758, MedGen C1867450, MONDO:0008333, OMIM 177850.
Arterial calcification, generalized, of infancy, 2. Identifiers: Orphanet 51608, MedGen C3276161, MONDO:0013768, OMIM 614473.

Allele frequency attached by ClinVar (database versions not stated): ExAC 0.00001; gnomAD exomes 0.00001 and 0.00002; gnomAD 0.00002; TOPMed 0.00002.

Submissions (5):

Labcorp Genetics (formerly Invitae), Labcorp
Classification: Likely pathogenic. Last evaluated: 2025-05-13. Review status: criteria provided, single submitter. Criteria: Invitae Variant Classification Sherloc (09022015). Collection method: clinical testing. Allele origin: germline.
Comment: This sequence change replaces arginine, which is basic and polar, with tryptophan, which is neutral and slightly polar, at codon 807 of the ABCC6 protein (p.Arg807Trp). This variant is present in population databases (rs72653793, gnomAD 0.02%). This missense change has been observed in individual(s) with pseudoxanthoma elasticum (PMID: 16086317, 34205333, 34440381). ClinVar contains an entry for this variant (Variation ID: 433276). Invitae Evidence Modeling of protein sequence and biophysical properties (such as structural, functional, and spatial information, amino acid conservation, physicochemical variation, residue mobility, and thermodynamic stability) indicates that this missense variant is expected to disrupt ABCC6 protein function with a positive predictive value of 95%. This variant disrupts the p.Arg807 amino acid residue in ABCC6. Other variant(s) that disrupt this residue have been determined to be pathogenic (PMID: 16086317, 18513494, 32873932). This suggests that this residue is clinically significant, and that variants that disrupt this residue are likely to be disease-causing. In summary, the currently available evidence indicates that the variant is pathogenic, but additional data are needed to prove that conclusively. Therefore, this variant has been classified as Likely Pathogenic.

CeGaT Center for Human Genetics Tuebingen
Classification: Likely pathogenic. Last evaluated: 2024-07-01. Review status: criteria provided, single submitter. Criteria: CeGaT Center For Human Genetics Tuebingen Variant Classification Criteria Version 2. Collection method: clinical testing. Allele origin: germline. Affected: yes. Observed: 1 variant allele.
Comment: ABCC6: PM3:Strong, PM2, PM5

Fulgent Genetics
Classification: Likely pathogenic for Pseudoxanthoma elasticum, forme fruste; Autosomal recessive inherited pseudoxanthoma elasticum; Arterial calcification, generalized, of infancy, 2. Last evaluated: 2024-06-07. Review status: criteria provided, single submitter. Criteria: ACMG Guidelines, 2015. Collection method: clinical testing. Allele origin: germline.

Blueprint Genetics
Classification: Pathogenic for ABCC6-related disorders. Last evaluated: 2023-10-09. Review status: criteria provided, single submitter. Criteria: ACMG Guidelines, 2015. Collection method: clinical testing. Allele origin: germline. Affected: yes. Observed: 3 variant alleles.

PXE International
Classification: Pathogenic for Autosomal recessive inherited pseudoxanthoma elasticum. Last evaluated: 2021-03-01. Review status: no assertion criteria provided. Collection method: research. Allele origin: germline. Inheritance: Autosomal recessive inheritance. Affected: yes. Not counted in ClinVar's aggregate classification.

Literature cited by the submitters: PubMed 16086317 (cited by Labcorp Genetics (formerly Invitae), Labcorp and PXE International); PubMed 34205333 (cited by Labcorp Genetics (formerly Invitae), Labcorp); PubMed 34440381 (cited by Labcorp Genetics (formerly Invitae), Labcorp); PubMed 18513494 (cited by Labcorp Genetics (formerly Invitae), Labcorp); PubMed 32873932 (cited by Labcorp Genetics (formerly Invitae), Labcorp and PXE International).

NM_001171.6(ABCC6):c.2419C>T (p.Arg807Trp)

Gene: ABCC6 (ATP binding cassette subfamily C member 6; minus strand). Cytogenetic location: 16p13.11.
Variant type: single nucleotide variant.
Coding change: c.2419C>T on transcript NM_001171.6 (MANE Select); coding-DNA position 2419, C replaced by T.
Protein change: p.Arg807Trp; replaces arginine 807 with tryptophan.
Molecular consequence: missense variant.
Genome position (GRCh38, 1-based): chr16:16,177,623, G>A on the plus strand (C>T on the coding strand, the complement: ABCC6 is on the minus strand). VCF-style: chr16-16177623-G-A. GRCh37 (hg19) VCF-style: chr16-16271480-G-A.
Other names: c.2077C>T, p.Arg693Trp (NM_001351800.1); short protein forms R807W, R693W.
Identifiers: ClinVar variation 433276 (VCV000433276.29), dbSNP rs72653793, ClinGen allele CA7925919.
Genomic context (GRCh38, chr16:16,177,623, plus strand): 5'-CCAGCACTATGATCCAATCAGCCTGGGGCAGGATGTGGAGTGCGTGCGTCACGAGAATCC[G>A]TGTCTGGGCAGGGAAGGGGTAGAAGTTACACACATGTGGCCGGGTGCAGTGGCTCATGCC-3'
Protein context (NP_001162.5, residues 797-817): GPGGLLQGTT[Arg807Trp]ILVTHALHIL